The following is an entry in ClinVar:

NM_001848.3(COL6A1):c.904-10G>A

Gene: COL6A1 (collagen type VI alpha 1 chain; plus strand). Cytogenetic location: 21q22.3.
Variant type: single nucleotide variant.
Coding change: c.904-10G>A on transcript NM_001848.3 (MANE Select); 10 bases into the intron before coding-DNA position 904, G replaced by A.
Molecular consequence: intron variant.
Genome position (GRCh38, 1-based): chr21:45,989,742, G>A. VCF-style: chr21-45989742-G-A. GRCh37 (hg19) VCF-style: chr21-47409656-G-A.
Identifiers: ClinVar variation 193850 (VCV000193850.10), dbSNP rs794727027, ClinGen allele CA239526.

ClinVar aggregate classification (germline): Uncertain significance. Review status: criteria provided, multiple submitters, no conflicts (2 of 4 stars). 3 submissions from 3 submitters: Uncertain significance (3). Last evaluated 2023-02-27.

Conditions:
Bethlem myopathy 1A. Also called: MYOPATHY, BENIGN CONGENITAL, WITH CONTRACTURES; Bethlem myopathy 1; Bethlem Muscular Dystrophy. Identifiers: Orphanet 610, MedGen CN029274, MONDO:0024530, OMIM 158810.
Ullrich congenital muscular dystrophy 1A. Also called: Ullrich congenital muscular dystrophy 1; Intermediate COL6-RD. Identifiers: Orphanet 75840, MedGen C0410179, MONDO:0009681, OMIM 254090.

Submissions (3):

Kariminejad - Najmabadi Pathology & Genetics Center
Classification: Uncertain significance for Bethlem myopathy 1A; Ullrich congenital muscular dystrophy 1A. Last evaluated: 2023-02-27. Review status: criteria provided, single submitter. Criteria: ACMG Guidelines, 2015. Collection method: clinical testing. Allele origin: germline. Inheritance: Autosomal dominant inheritance. Affected: yes.
Comment: PM2, PP3

Labcorp Genetics (formerly Invitae), Labcorp
Classification: Uncertain significance for Bethlem myopathy 1A. Last evaluated: 2022-05-08. Review status: criteria provided, single submitter. Criteria: Invitae Variant Classification Sherloc (09022015). Collection method: clinical testing. Allele origin: germline.
Comment: In summary, the available evidence is currently insufficient to determine the role of this variant in disease. Therefore, it has been classified as a Variant of Uncertain Significance. Algorithms developed to predict the effect of sequence changes on RNA splicing suggest that this variant may disrupt the consensus splice site. ClinVar contains an entry for this variant (Variation ID: 193850). This variant has not been reported in the literature in individuals affected with COL6A1-related conditions. This variant is not present in population databases (gnomAD no frequency). This sequence change falls in intron 10 of the COL6A1 gene. It does not directly change the encoded amino acid sequence of the COL6A1 protein.

Eurofins Ntd Llc (ga)
Classification: Uncertain significance. Last evaluated: 2015-02-13. Review status: criteria provided, single submitter. Criteria: EGL Classification Definitions 2015. Collection method: clinical testing. Allele origin: germline. Observed: 1 variant allele, 1 heterozygote.